The following is an entry in ClinVar:

NM_001243133.2(NLRP3):c.953C>T (p.Thr318Ile)

Gene: NLRP3 (NLR family pyrin domain containing 3; plus strand). Cytogenetic location: 1q44.
Variant type: single nucleotide variant.
Coding change: c.953C>T on transcript NM_001243133.2 (MANE Select); coding-DNA position 953, C replaced by T.
Protein change: p.Thr318Ile; replaces threonine 318 with isoleucine.
Molecular consequence: missense variant.
Genome position (GRCh38, 1-based): chr1:247,424,402, C>T. VCF-style: chr1-247424402-C-T. GRCh37 (hg19) VCF-style: chr1-247587704-C-T.
Other names: c.953C>T, p.Thr318Ile (NM_001079821.3, NM_001127461.3, NM_001127462.3 and 1 more transcripts); c.959C>T, p.Thr320Ile (NM_004895.5); short protein forms T320I, T318I.
Identifiers: ClinVar variation 4765719 (VCV004765719.1).

ClinVar aggregate classification (germline): Uncertain significance (1 of 4 stars; one submission).

Conditions:
Cryopyrin associated periodic syndrome (CAPS). Identifiers: Orphanet 208650, MedGen C2316212, MONDO:0016168.

gnomAD v4.1: 4 of 1,614,190 alleles (0.00025%); highest among the groups gnomAD compares: South Asian, 0.0033%; no homozygotes.

Submission:

Labcorp Genetics (formerly Invitae), Labcorp
Classification: Uncertain significance for Cryopyrin associated periodic syndrome. Last evaluated: 2025-11-13. Review status: criteria provided, single submitter. Criteria: Invitae Variant Classification Sherloc (09022015). Collection method: clinical testing. Allele origin: germline.
Comment: This sequence change replaces threonine, which is neutral and polar, with isoleucine, which is neutral and non-polar, at codon 320 of the NLRP3 protein (p.Thr320Ile). This variant is present in population databases (rs778161896, gnomAD 0.003%). This variant has not been reported in the literature in individuals affected with NLRP3-related conditions. Invitae Evidence Modeling of protein sequence and biophysical properties (such as structural, functional, and spatial information, amino acid conservation, physicochemical variation, residue mobility, and thermodynamic stability) has been performed for this missense variant. However, the output from this modeling did not meet the statistical confidence thresholds required to predict the impact of this variant on NLRP3 protein function. In summary, the available evidence is currently insufficient to determine the role of this variant in disease. Therefore, it has been classified as a Variant of Uncertain Significance.